The following is an entry in ClinVar:

ClinVar aggregate classification (germline): Likely pathogenic (1 of 4 stars; one submission).

Conditions:
Dilated cardiomyopathy 1G (CMD1G). Identifiers: Orphanet 154, MedGen C1858763, MONDO:0011400, OMIM 604145.

Submission:

Victorian Clinical Genetics Services, Murdoch Childrens Research Institute
Classification: Likely pathogenic for Dilated cardiomyopathy 1G. Last evaluated: 2024-10-28. Review status: criteria provided, single submitter. Criteria: ACMG Guidelines, 2015. Collection method: clinical testing. Allele origin: germline. Affected: yes.
Comment: This variant is classified as Likely pathogenic. Evidence in support of pathogenic classification: Variant is predicted to cause nonsense-mediated decay (NMD) and loss of protein (premature termination codon is located at least 54 nucleotides upstream of the final exon-exon junction); Variant is absent from gnomAD (v2, v3 and v4); Other NMD-predicted variants comparable to the one identified in this case have strong previous evidence for pathogenicity (ClinVar). Additional information: This variant is heterozygous; This gene is associated with both recessive and dominant disease (OMIM); This variant has no previous evidence of pathogenicity; No published segregation evidence has been identified for this variant; No published functional evidence has been identified for this variant; Variant is located in the annotated A-band and the exon has a PSI score of 100% (PMID: 25589632); Loss of function is a known mechanism of disease in this gene. In addition, dominant negative is also a suggested mechanism. (PMID: 25589632); The condition associated with this gene has incomplete penetrance. Variants in this gene that result in a premature termination codon (PTC) are known to have reduced penetrance in DCM (PMID: 25589632); Inheritance information for this variant is not currently available in this individual.

Literature cited by the submitters: PubMed 25589632.

NM_001267550.2(TTN):c.60580C>T (p.Gln20194Ter)

Genes: TTN-AS1 (TTN antisense RNA 1; plus strand), TTN (titin; minus strand). Cytogenetic location: 2q31.2.
Variant type: single nucleotide variant.
Coding change: c.60580C>T on transcript NM_001267550.2 (MANE Select); coding-DNA position 60580, C replaced by T.
Protein change: p.Gln20194Ter; replaces glutamine 20194 with a stop codon.
Molecular consequence: nonsense. On other transcripts: non-coding transcript variant (1).
Genome position (GRCh38, 1-based): chr2:178,591,145, G>A on the plus strand (C>T on the coding strand, the complement: TTN is on the minus strand). VCF-style: chr2-178591145-G-A. GRCh37 (hg19) VCF-style: chr2-179455872-G-A.
Other names: c.55657C>T, p.Gln18553Ter (NM_001256850.1); c.33385C>T, p.Gln11129Ter (NM_003319.4); c.52876C>T, p.Gln17626Ter (NM_133378.4); c.33760C>T, p.Gln11254Ter (NM_133432.3); c.33961C>T, p.Gln11321Ter (NM_133437.4); short protein forms Q11129*, Q11254*, Q11321*, Q17626*, Q18553*, Q20194*.
Identifiers: ClinVar variation 4531794 (VCV004531794.1).